The following is an entry in ClinVar:

ClinVar aggregate classification (germline): Uncertain significance (1 of 4 stars; one submission).

Submission:

GeneDx
Classification: Uncertain significance. Last evaluated: 2024-08-01. Review status: criteria provided, single submitter. Criteria: GeneDx Variant Classification Process June 2021. Collection method: clinical testing. Allele origin: germline. Affected: yes.
Comment: Not observed at significant frequency in large population cohorts (gnomAD); In silico analysis supports that this missense variant has a deleterious effect on protein structure/function; Has not been previously published as pathogenic or benign to our knowledge

NM_001099857.5(IKBKG):c.308T>C (p.Leu103Pro)

Gene: IKBKG (inhibitor of nuclear factor kappa B kinase regulatory subunit gamma; plus strand). Cytogenetic location: Xq28.
Variant type: single nucleotide variant.
Coding change: c.308T>C on transcript NM_001099857.5 (MANE Select); coding-DNA position 308, T replaced by C.
Protein change: p.Leu103Pro; replaces leucine 103 with proline.
Molecular consequence: missense variant. On other transcripts: non-coding transcript variant (1).
Genome position (GRCh38, 1-based): chrX:154,556,285, T>C. VCF-style: chrX-154556285-T-C. GRCh37 (hg19) VCF-style: chrX-153784500-T-C.
Other names: c.512T>C, p.Leu171Pro (NM_001099856.6); c.308T>C, p.Leu103Pro (NM_001145255.4, NM_001321396.3, NM_001321397.3 and 5 more transcripts); short protein forms L103P, L171P.
Identifiers: ClinVar variation 3602145 (VCV003602145.1).